The following is an entry in ClinVar:

NM_000046.5(ARSB):c.1289A>G (p.His430Arg)

Gene: ARSB (arylsulfatase B; minus strand). Cytogenetic location: 5q14.1.
Variant type: single nucleotide variant.
Coding change: c.1289A>G on transcript NM_000046.5 (MANE Select); coding-DNA position 1289, A replaced by G.
Protein change: p.His430Arg; replaces histidine 430 with arginine.
Molecular consequence: missense variant.
Genome position (GRCh38, 1-based): chr5:78,781,899, T>C on the plus strand (A>G on the coding strand, the complement: ARSB is on the minus strand). VCF-style: chr5-78781899-T-C. GRCh37 (hg19) VCF-style: chr5-78077722-T-C.
Other names: short protein forms H430R.
Identifiers: ClinVar variation 559698 (VCV000559698.11), dbSNP rs1171277553, ClinGen allele CA360339977.

ClinVar aggregate classification (germline): Likely pathogenic. Review status: criteria provided, multiple submitters, no conflicts (2 of 4 stars). 3 submissions from 3 submitters: Likely pathogenic (3). Last evaluated 2025-02-01.

Conditions:
Mucopolysaccharidosis type 6 (MPS6). Also called: N-ACETYLGALACTOSAMINE-4-SULFATASE DEFICIENCY; MPS VI; MPS 6; Maroteaux Lamy syndrome; ARSB DEFICIENCY; ARYLSULFATASE B DEFICIENCY. Identifiers: Orphanet 583, MedGen C0026709, MONDO:0009661, OMIM 253200.

Allele frequency attached by ClinVar (database versions not stated): gnomAD exomes below 0.00001 and 0.00001; TOPMed below 0.00001.
gnomAD v4.1: 6 of 1,614,140 alleles (0.00037%); highest among the groups gnomAD compares: Non-Finnish European, 0.00051%; no homozygotes.

Submissions (3):

Labcorp Genetics (formerly Invitae), Labcorp
Classification: Likely pathogenic for Mucopolysaccharidosis type 6. Last evaluated: 2025-02-01. Review status: criteria provided, single submitter. Criteria: Invitae Variant Classification Sherloc (09022015). Collection method: clinical testing. Allele origin: germline.
Comment: This sequence change replaces histidine, which is basic and polar, with arginine, which is basic and polar, at codon 430 of the ARSB protein (p.His430Arg). This variant is present in population databases (no rsID available, gnomAD 0.0009%). This missense change has been observed in individual(s) with mucopolysaccharidosis type VI (PMID: 17161971, 17458871, 36964972). ClinVar contains an entry for this variant (Variation ID: 559698). Invitae Evidence Modeling of protein sequence and biophysical properties (such as structural, functional, and spatial information, amino acid conservation, physicochemical variation, residue mobility, and thermodynamic stability) has been performed for this missense variant. However, the output from this modeling did not meet the statistical confidence thresholds required to predict the impact of this variant on ARSB protein function. Experimental studies have shown that this missense change affects ARSB function (PMID: 17161971). In summary, the currently available evidence indicates that the variant is pathogenic, but additional data are needed to prove that conclusively. Therefore, this variant has been classified as Likely Pathogenic.

Natera, Inc.
Classification: Likely pathogenic for Mucopolysaccharidosis type VI. Last evaluated: 2024-10-02. Review status: criteria provided, single submitter. Criteria: Natera Variant Classification Schema (03/2026). Collection method: clinical testing. Allele origin: germline.
Comment: The c.1289A>G variant in ARSB is a missense variant predicted to cause substitution of histidine to arginine at amino acid 430. This variant is rare in the general population with a frequency below the threshold expected for the associated phenotype(s). This variant has been observed in one or more individuals affected with the associated recessive disease, as either homozygous or compound heterozygous with a second variant (PMID: 17458871, 36964972). Functional studies show that this variant may disrupt protein function (PMID: 17161971). Given the available evidence, this variant is classified as Likely Pathogenic.

Laboratory of Diagnosis and Therapy of Lysosomal Disorders, University of Padova
Classification: Likely pathogenic for Mucopolysaccharidosis type 6. Last evaluated: 2018-01-01. Review status: criteria provided, single submitter. Criteria: ACMG Guidelines, 2015. Collection method: curation. Allele origin: germline. Affected: yes.
Comment: In vitro functional studies supportive of a damaging effect on the gene product (low to no ARSB activity in homozygotes; PS3); Very low frequency in ExAC (PM2)

Literature cited by the submitters: PubMed 17161971 (cited by 3 submitters); PubMed 17458871 (cited by 3 submitters); PubMed 36964972 (cited by Labcorp Genetics (formerly Invitae), Labcorp and Natera, Inc.); PubMed 30118150 (cited by Laboratory of Diagnosis and Therapy of Lysosomal Disorders, University of Padova).